The following is an entry in ClinVar:

ClinVar aggregate classification (germline): Uncertain significance (1 of 4 stars; one submission).

Conditions:
Fanconi anemia (FA). Also called: Fanconi's anemia. Identifiers: Orphanet 84, MedGen C0015625, MeSH D005199, MONDO:0019391.

Submission:

Labcorp Genetics (formerly Invitae), Labcorp
Classification: Uncertain significance for Fanconi anemia. Last evaluated: 2022-04-29. Review status: criteria provided, single submitter. Criteria: Invitae Variant Classification Sherloc (09022015). Collection method: clinical testing. Allele origin: germline.
Comment: Variants that disrupt the consensus splice site are a relatively common cause of aberrant splicing (PMID: 17576681, 9536098). Algorithms developed to predict the effect of sequence changes on RNA splicing suggest that this variant may disrupt the consensus splice site. This variant is not present in population databases (gnomAD no frequency). This variant has not been reported in the literature in individuals affected with FANCI-related conditions. This sequence change affects a donor splice site in intron 37 of the FANCI gene. While this variant is not anticipated to result in nonsense mediated decay, it likely alters RNA splicing and results in a disrupted protein product. In summary, the available evidence is currently insufficient to determine the role of this variant in disease. Therefore, it has been classified as a Variant of Uncertain Significance.

Literature cited by the submitters: PubMed 17576681; PubMed 9536098.

NM_001113378.2(FANCI):c.3924+1G>T

Gene: FANCI (FA complementation group I; plus strand). Cytogenetic location: 15q26.1.
Variant type: single nucleotide variant.
Coding change: c.3924+1G>T on transcript NM_001113378.2 (MANE Select); the canonical splice donor site of the intron after coding-DNA position 3924, G replaced by T.
Molecular consequence: splice donor variant.
Genome position (GRCh38, 1-based): chr15:89,315,390, G>T. VCF-style: chr15-89315390-G-T. GRCh37 (hg19) VCF-style: chr15-89858621-G-T.
Other names: c.3744+1G>T (NM_018193.3); c.3924+1G>T (NM_001376911.1); c.3645+1G>T (NM_001376910.1).
Identifiers: ClinVar variation 2131783 (VCV002131783.4), dbSNP rs864622739, ClinGen allele CA393744994.